The following is an entry in ClinVar:

NM_001165963.4(SCN1A):c.340T>G (p.Phe114Val)

Gene: SCN1A (sodium voltage-gated channel alpha subunit 1; minus strand). Cytogenetic location: 2q24.3.
Variant type: single nucleotide variant.
Coding change: c.340T>G on transcript NM_001165963.4 (MANE Select); coding-DNA position 340, T replaced by G.
Protein change: p.Phe114Val; replaces phenylalanine 114 with valine.
Molecular consequence: missense variant. On other transcripts: 5 prime UTR variant (1), non-coding transcript variant (1).
Genome position (GRCh38, 1-based): chr2:166,058,613, A>C on the plus strand (T>G on the coding strand, the complement: SCN1A is on the minus strand). VCF-style: chr2-166058613-A-C. GRCh37 (hg19) VCF-style: chr2-166915123-A-C.
Other names: c.-2086T>G (NM_001353961.2); c.340T>G, p.Phe114Val (NM_006920.6, NM_001165964.3, NM_001202435.3 and 10 more transcripts); short protein forms F114V.
Identifiers: ClinVar variation 2765482 (VCV002765482.3), dbSNP rs2468272169, ClinGen allele CA349076966.

ClinVar aggregate classification (germline): Uncertain significance (1 of 4 stars; one submission).

Conditions:
Early-infantile DEE. Also called: Ohtahara syndrome; Early infantile epileptic encephalopathy; Early infantile epileptic encephalopathy with suppression bursts. Identifiers: Orphanet 1934, MedGen C0393706, MONDO:0800491.

Submission:

Labcorp Genetics (formerly Invitae), Labcorp
Classification: Uncertain significance for Early-infantile DEE. Last evaluated: 2023-10-05. Review status: criteria provided, single submitter. Criteria: Invitae Variant Classification Sherloc (09022015). Collection method: clinical testing. Allele origin: germline.
Comment: This sequence change replaces phenylalanine, which is neutral and non-polar, with valine, which is neutral and non-polar, at codon 114 of the SCN1A protein (p.Phe114Val). This variant is not present in population databases (gnomAD no frequency). This variant has not been reported in the literature in individuals affected with SCN1A-related conditions. Advanced modeling of protein sequence and biophysical properties (such as structural, functional, and spatial information, amino acid conservation, physicochemical variation, residue mobility, and thermodynamic stability) performed at Invitae indicates that this missense variant is expected to disrupt SCN1A protein function. In summary, the available evidence is currently insufficient to determine the role of this variant in disease. Therefore, it has been classified as a Variant of Uncertain Significance.